The following is an entry in ClinVar:

ClinVar aggregate classification (germline): Benign. Review status: criteria provided, multiple submitters, no conflicts (2 of 4 stars). 12 submissions from 12 submitters: Benign (9). 3 of the submissions do not count toward it. Last evaluated 2026-02-04.

Conditions:
Primary dilated cardiomyopathy (DCM). Also called: Dilated Cardiomyopathy. Identifiers: Orphanet 217604, MedGen C0007193, MeSH D002311, MONDO:0005021, HP:0001644. Inheritance: Various modes of inheritance.
Dilated cardiomyopathy 1DD (CMD1DD). Identifiers: Orphanet 154, MedGen C2750995, MONDO:0013168, OMIM 613172.

Allele frequency attached by ClinVar (database versions not stated): 1000 Genomes Project 30x 0.16240; ExAC 0.16402; 1000 Genomes Project 0.16414; gnomAD exomes 0.18472 and 0.20962; TOPMed 0.20664; gnomAD 0.21061 and 0.21586; ESP Exome Variant Server 0.21901.
gnomAD v4.1: 302,081 of 1,444,144 alleles (21%); highest among the groups gnomAD compares: Non-Finnish European, 22%; 32,985 homozygotes.

Submissions (12):

Labcorp Genetics (formerly Invitae), Labcorp
Classification: Benign for Dilated cardiomyopathy 1DD. Last evaluated: 2026-02-04. Review status: criteria provided, single submitter. Criteria: Invitae Variant Classification Sherloc (09022015). Collection method: clinical testing. Allele origin: germline.

Molecular Diagnostic Laboratory for Inherited Cardiovascular Disease, Montreal Heart Institute
Classification: Benign. Last evaluated: 2025-04-09. Review status: criteria provided, single submitter. Criteria: ACMG Guidelines, 2015. Collection method: clinical testing. Allele origin: germline. Affected: no.

Blueprint Genetics
Classification: Benign. Last evaluated: 2024-11-27. Review status: criteria provided, single submitter. Criteria: ACMG Guidelines, 2015. Collection method: clinical testing. Allele origin: germline.

Illumina Laboratory Services, Illumina
Classification: Benign for Dilated cardiomyopathy 1DD. Last evaluated: 2018-01-12. Review status: criteria provided, single submitter. Criteria: ICSL Variant Classification Criteria 13 December 2019. Collection method: clinical testing. Allele origin: germline.
Comment: This variant was observed in the ICSL laboratory as part of a predisposition screen in an ostensibly healthy population. It had not been previously curated by ICSL or reported in the Human Gene Mutation Database (HGMD: prior to June 1st, 2018), and was therefore a candidate for classification through an automated scoring system. Utilizing variant allele frequency, disease prevalence and penetrance estimates, and inheritance mode, an automated score was calculated to assess if this variant is too frequent to cause the disease. Based on the score and internal cut-off values, a variant classified as benign is not then subjected to further curation. The score for this variant resulted in a classification of benign for this disease.

Mayo Clinic Laboratories, Mayo Clinic
Classification: Benign. Last evaluated: 2014-03-04. Review status: criteria provided, single submitter. Criteria: ACMG Guidelines, 2015. Collection method: clinical testing. Allele origin: germline. Observed: 481 variant alleles.

GeneDx
Classification: Benign. Last evaluated: 2012-10-26. Review status: criteria provided, single submitter. Criteria: GeneDx Variant Classification (06012015). Collection method: clinical testing. Allele origin: germline. Affected: yes.
Comment: This variant is considered likely benign or benign based on one or more of the following criteria: it is a conservative change, it occurs at a poorly conserved position in the protein, it is predicted to be benign by multiple in silico algorithms, and/or has population frequency not consistent with disease.

Laboratory for Molecular Medicine, Mass General Brigham Personalized Medicine
Classification: Benign. Last evaluated: 2011-09-27. Review status: criteria provided, single submitter. Criteria: LMM Criteria. Collection method: clinical testing. Allele origin: germline. Observed: 667 variant alleles.

Breakthrough Genomics
Classification: Benign. Review status: criteria provided, single submitter. Criteria: ACMG Guidelines, 2015. Collection method: not provided. Allele origin: germline. Inheritance: Autosomal dominant inheritance. Affected: yes.

PreventionGenetics, part of Exact Sciences
Classification: Benign. Review status: criteria provided, single submitter. Criteria: ACMG Guidelines, 2015. Collection method: clinical testing. Allele origin: germline.

Cohesion Phenomics
Classification: Benign for Dilated Cardiomyopathy. Last evaluated: 2022-09-27. Review status: no assertion criteria provided. Criteria: ACMG Guidelines, 2015. Collection method: clinical testing. Allele origin: germline. Affected: yes. Not counted in ClinVar's aggregate classification.

Clinical Genetics DNA and cytogenetics Diagnostics Lab, Erasmus MC, Erasmus Medical Center
Classification: Benign. Review status: no assertion criteria provided. Collection method: clinical testing. Allele origin: germline. Affected: yes. Study: VKGL Data-share Consensus. Not counted in ClinVar's aggregate classification.

Clinical Genetics, Academic Medical Center
Classification: Benign. Review status: no assertion criteria provided. Collection method: clinical testing. Allele origin: germline. Affected: yes. Study: VKGL Data-share Consensus. Not counted in ClinVar's aggregate classification.

NM_001134363.3(RBM20):c.1527+8C>T

Gene: RBM20 (RNA binding motif protein 20; plus strand). Cytogenetic location: 10q25.2.
Variant type: single nucleotide variant.
Coding change: c.1527+8C>T on transcript NM_001134363.3 (MANE Select); 8 bases into the intron after coding-DNA position 1527, C replaced by T.
Molecular consequence: intron variant.
Genome position (GRCh38, 1-based): chr10:110,784,897, C>T. VCF-style: chr10-110784897-C-T. GRCh37 (hg19) VCF-style: chr10-112544655-C-T.
Other names: p.?; c.1527+8C>T (NM_001134363.2).
Identifiers: ClinVar variation 43975 (VCV000043975.27), dbSNP rs7077757, ClinGen allele CA133279.